The following is an entry in ClinVar:

NM_032536.4(NTNG2):c.1532_1538dup (p.Thr514fs)

Gene: NTNG2 (netrin G2; plus strand). Cytogenetic location: 9q34.13.
Variant type: Microsatellite.
Coding change: c.1532_1538dup on transcript NM_032536.4 (MANE Select); coding-DNA positions 1532 to 1538, 7 bases duplicated (GCCCCGC; older notation c.1532_1538dupGCCCCGC).
Protein change: p.Thr514fs; shifts the reading frame from threonine 514.
Molecular consequence: frameshift variant.
Genome position (GRCh38, 1-based): chr9:132,242,050-132,242,056, GCCCCGC duplicated; duplicating any 7 consecutive bases within chr9:132,242,042-132,242,056 gives the same sequence; the c. name uses the placement nearest the transcript's 3' end. VCF-style (leftmost placement, unchanged base first): chr9-132242041-C-CCGCCCCG. GRCh37 (hg19) VCF-style: chr9-135117428-C-CCGCCCCG.
Other names: short protein forms T514fs.
Identifiers: ClinVar variation 3067477 (VCV003067477.21), dbSNP rs2538785057, ClinGen allele CA2692248906.
Genomic context (GRCh38, chr9:132,242,041, plus strand): 5'-AGCCCCGCTGCGACCCCGCCGACGATGACGGCGGTCTGGACTGCGACCGCGCGCCCGGGG[C>CCGCCCCG]CGCCCCGCGCCCCGCCACCCTGCTCGGCTGCCTGCTGCTGCTGGGGCTGGCCGCCCGCCT-3'

ClinVar aggregate classification (germline): Uncertain significance (1 of 4 stars; one submission).

Submission:

CeGaT Center for Human Genetics Tuebingen
Classification: Uncertain significance. Last evaluated: 2024-03-01. Review status: criteria provided, single submitter. Criteria: CeGaT Center For Human Genetics Tuebingen Variant Classification Criteria Version 2. Collection method: clinical testing. Allele origin: germline. Affected: yes. Observed: 2 variant alleles.
Comment: NTNG2: PM2, PM4